The following is an entry in ClinVar:

NM_001376.5(DYNC1H1):c.9784G>C (p.Glu3262Gln)

Gene: DYNC1H1 (dynein cytoplasmic 1 heavy chain 1; plus strand). Cytogenetic location: 14q32.31.
Variant type: single nucleotide variant.
Coding change: c.9784G>C on transcript NM_001376.5 (MANE Select); coding-DNA position 9784, G replaced by C.
Protein change: p.Glu3262Gln; replaces glutamic acid 3262 with glutamine.
Molecular consequence: missense variant.
Genome position (GRCh38, 1-based): chr14:102,030,183, G>C. VCF-style: chr14-102030183-G-C. GRCh37 (hg19) VCF-style: chr14-102496520-G-C.
Other names: short protein forms E3262Q.
Identifiers: ClinVar variation 572021 (VCV000572021.8), dbSNP rs1567018077, ClinGen allele CA391017913.
Genomic context (GRCh38, chr14:102,030,183, plus strand): 5'-CAATGCTTAACCCATACCTAAGCCATCCCTCCTTTCTAGGTTATGAGCCAAGAAATCCAG[G>C]AACAGCTGCATAAGCAGCAGGAGGTAATTGCAGACAAACAGATGAGTGTCAAAGAAGATC-3'
Protein context (NP_001367.2, residues 3252-3272): KKKVMSQEIQ[Glu3262Gln]QLHKQQEVIA

ClinVar aggregate classification (germline): Uncertain significance (1 of 4 stars; one submission).

Conditions:
Charcot-Marie-Tooth disease axonal type 2O. Also called: Charcot-Marie-Tooth disease, axonal, type 20; CHARCOT-MARIE-TOOTH NEUROPATHY, AXONAL, TYPE 2O; CHARCOT-MARIE-TOOTH DISEASE, AXONAL, AUTOSOMAL DOMINANT, TYPE 2O; Charcot-Marie-Tooth Neuropathy Type 2O. Identifiers: Orphanet 284232, MedGen C3280220, MONDO:0013644, OMIM 614228.

Submission:

Labcorp Genetics (formerly Invitae), Labcorp
Classification: Uncertain significance for Charcot-Marie-Tooth disease axonal type 2O. Last evaluated: 2018-01-28. Review status: criteria provided, single submitter. Criteria: Invitae Variant Classification Sherloc (09022015). Collection method: clinical testing. Allele origin: germline.
Comment: This sequence change replaces glutamic acid with glutamine at codon 3262 of the DYNC1H1 protein (p.Glu3262Gln). The glutamic acid residue is highly conserved and there is a small physicochemical difference between glutamic acid and glutamine. This variant is not present in population databases (ExAC no frequency). This variant has not been reported in the literature in individuals with DYNC1H1-related disease. Algorithms developed to predict the effect of missense changes on protein structure and function (SIFT, PolyPhen-2, Align-GVGD) all suggest that this variant is likely to be tolerated, but these predictions have not been confirmed by published functional studies and their clinical significance is uncertain. In summary, the available evidence is currently insufficient to determine the role of this variant in disease. Therefore, it has been classified as a Variant of Uncertain Significance.